The following is an entry in ClinVar:

ClinVar aggregate classification (germline): Pathogenic (1 of 4 stars; one submission).

Conditions:
Ehlers-Danlos syndrome, classic type, 1 (EDSCL1). Also called: EHLERS-DANLOS SYNDROME, GRAVIS TYPE; EHLERS-DANLOS SYNDROME, SEVERE CLASSIC TYPE; EDS I; Ehlers-Danlos Syndrome, Classic Type, COL5A1-Related; Ehlers-Danlos syndrome, type 1. Identifiers: MedGen C0268335, MONDO:0019567, OMIM 130000.

Submission:

Labcorp Genetics (formerly Invitae), Labcorp
Classification: Pathogenic for Ehlers-Danlos syndrome, classic type, 1. Last evaluated: 2024-11-05. Review status: criteria provided, single submitter. Criteria: Invitae Variant Classification Sherloc (09022015). Collection method: clinical testing. Allele origin: germline.
Comment: This sequence change replaces cysteine, which is neutral and slightly polar, with tyrosine, which is neutral and polar, at codon 1671 of the COL5A1 protein (p.Cys1671Tyr). This variant is not present in population databases (gnomAD no frequency). This missense change has been observed in individual(s) with clinical features of Ehlers-Danlos syndrome (internal data). In at least one individual the variant was observed to be de novo. ClinVar contains an entry for this variant (Variation ID: 459707). Invitae Evidence Modeling of protein sequence and biophysical properties (such as structural, functional, and spatial information, amino acid conservation, physicochemical variation, residue mobility, and thermodynamic stability) indicates that this missense variant is expected to disrupt COL5A1 protein function with a positive predictive value of 95%. For these reasons, this variant has been classified as Pathogenic.

NM_000093.5(COL5A1):c.5012G>A (p.Cys1671Tyr)

Genes: COL5A1 (collagen type V alpha 1 chain; plus strand), LOC101448202 (uncharacterized LOC101448202; minus strand). Cytogenetic location: 9q34.3.
Variant type: single nucleotide variant.
Coding change: c.5012G>A on transcript NM_000093.5 (MANE Select); coding-DNA position 5012, G replaced by A.
Protein change: p.Cys1671Tyr; replaces cysteine 1671 with tyrosine.
Molecular consequence: missense variant.
Genome position (GRCh38, 1-based): chr9:134,825,849, G>A. VCF-style: chr9-134825849-G-A. GRCh37 (hg19) VCF-style: chr9-137717695-G-A.
Other names: c.5012G>A, p.Cys1671Tyr (NM_001278074.1); short protein forms C1671Y.
Identifiers: ClinVar variation 459707 (VCV000459707.10), dbSNP rs1554808357, ClinGen allele CA375458948.